The following is an entry in ClinVar:

NM_005359.6(SMAD4):c.424+4A>C

Gene: SMAD4 (SMAD family member 4; plus strand). Cytogenetic location: 18q21.2.
Variant type: single nucleotide variant.
Coding change: c.424+4A>C on transcript NM_005359.6 (MANE Select); 4 bases into the intron after coding-DNA position 424, A replaced by C.
Molecular consequence: intron variant.
Genome position (GRCh38, 1-based): chr18:51,048,864, A>C. VCF-style: chr18-51048864-A-C. GRCh37 (hg19) VCF-style: chr18-48575234-A-C.
Other names: c.424+4A>C (NM_001407042.1, NM_001407041.1, NM_001407043.1).
Identifiers: ClinVar variation 3798801 (VCV003798801.3).

ClinVar aggregate classification (germline): Uncertain significance. Review status: criteria provided, multiple submitters, no conflicts (2 of 4 stars). 3 submissions from 3 submitters: Uncertain significance (3). Last evaluated 2025-10-20.

Conditions:
Familial thoracic aortic aneurysm and aortic dissection (TAAD). Also called: Thoracic aortic aneurysms and dissections. Identifiers: Orphanet 91387, MedGen C4707243, MONDO:0019625.
Hereditary cancer-predisposing syndrome. Also called: Tumor predisposition; Hereditary Cancer Syndrome; Hereditary neoplastic syndrome; Neoplastic Syndromes, Hereditary. Identifiers: Orphanet 140162, MedGen C0027672, MeSH D009386, MONDO:0015356.
Juvenile polyposis syndrome (JPS). Identifiers: Orphanet 2929, MedGen C0345893, MONDO:0017380, OMIM 174900.
Juvenile polyposis/hereditary hemorrhagic telangiectasia syndrome (JPHT). Also called: JP/HHT SYNDROME; JUVENILE POLYPOSIS WITH HEREDITARY HEMORRHAGIC TELANGIECTASIA; POLYPOSIS, GENERALIZED JUVENILE, WITH PULMONARY ARTERIOVENOUS MALFORMATION; TELANGIECTASIA, HEREDITARY HEMORRHAGIC, WITH JUVENILE POLYPOSIS COLI; Juvenile Polyposis Syndrome / Hereditary Hemorrhagic Telangiectasia (JPS/HHT). Identifiers: Orphanet 2929, MedGen C1832942, MONDO:0008278, OMIM 175050.

Submissions (3):

Clinical Genomics Laboratory, Washington University in St. Louis
Classification: Uncertain significance for Juvenile polyposis/hereditary hemorrhagic telangiectasia syndrome. Last evaluated: 2025-10-20. Review status: criteria provided, single submitter. Criteria: ACMG Guidelines, 2015. Collection method: clinical testing. Allele origin: germline.
Comment: A SMAD4 c.424+4A>C variant was identified at a near heterozygous allelic fraction of 48.5%, a frequency which may be consistent with it being of germline origin. This variant, to our knowledge, has not been reported in the medical literature or the ClinVar database. This variant is absent from the general population (gnomAD v4.1.0), indicating it is not a common variant. Computational predictors suggest that the variant does not impact SMAD4 function. Due to limited information, and based on ACMG/AMP guidelines for variant interpretation (Richards S et al., PMID: 25741868), the clinical significance of this variant is uncertain at this time.

Labcorp Genetics (formerly Invitae), Labcorp
Classification: Uncertain significance for Juvenile polyposis syndrome. Last evaluated: 2025-09-09. Review status: criteria provided, single submitter. Criteria: Invitae Variant Classification Sherloc (09022015). Collection method: clinical testing. Allele origin: germline.
Comment: This sequence change falls in intron 3 of the SMAD4 gene. It does not directly change the encoded amino acid sequence of the SMAD4 protein. It affects a nucleotide within the consensus splice site. This variant is not present in population databases (gnomAD no frequency). This variant has not been reported in the literature in individuals affected with SMAD4-related conditions. ClinVar contains an entry for this variant (Variation ID: 3798801). Variants that disrupt the consensus splice site are a relatively common cause of aberrant splicing (PMID: 17576681, 9536098). Algorithms developed to predict the effect of sequence changes on RNA splicing suggest that this variant is not likely to affect RNA splicing. In summary, the available evidence is currently insufficient to determine the role of this variant in disease. Therefore, it has been classified as a Variant of Uncertain Significance.

Ambry Genetics
Classification: Uncertain significance for Hereditary cancer-predisposing syndrome; Familial thoracic aortic aneurysm and aortic dissection. Last evaluated: 2024-12-20. Review status: criteria provided, single submitter. Criteria: Ambry Variant Classification Scheme 2023. Collection method: clinical testing. Allele origin: germline.
Comment: The c.424+4A>C intronic variant results from an A to C substitution 4 nucleotides after coding exon 2 in the SMAD4 gene. This nucleotide position is well conserved in available vertebrate species. In silico splice site analysis predicts that this alteration will not have any significant effect on splicing. Based on the available evidence, the clinical significance of this variant remains unclear.

Literature cited by the submitters: PubMed 17576681 (cited by Labcorp Genetics (formerly Invitae), Labcorp); PubMed 9536098 (cited by Labcorp Genetics (formerly Invitae), Labcorp).